The following is an entry in ClinVar:

ClinVar aggregate classification (germline): Conflicting classifications of pathogenicity. Review status: criteria provided, conflicting classifications (1 of 4 stars). 3 submissions from 3 submitters: Uncertain significance (1); Likely benign (2). Last evaluated 2025-01-01.

Conditions:
Primary ciliary dyskinesia. Also called: Ciliary dyskinesia. Identifiers: Orphanet 244, MedGen C0008780, MONDO:0016575, HP:0012265.

Allele frequency attached by ClinVar (database versions not stated): gnomAD 0.00002; TOPMed 0.00003.
gnomAD v4.1: 10 of 1,611,302 alleles (0.00062%); highest among the groups gnomAD compares: Admixed American, 0.0084%; no homozygotes.

Submissions (3):

CeGaT Center for Human Genetics Tuebingen
Classification: Uncertain significance. Last evaluated: 2025-01-01. Review status: criteria provided, single submitter. Criteria: CeGaT Center For Human Genetics Tuebingen Variant Classification Criteria Version 2. Collection method: clinical testing. Allele origin: germline. Affected: yes. Observed: 1 variant allele.
Comment: DNAH11: PM2, BP4

Labcorp Genetics (formerly Invitae), Labcorp
Classification: Likely benign for Primary ciliary dyskinesia. Last evaluated: 2024-01-16. Review status: criteria provided, single submitter. Criteria: Invitae Variant Classification Sherloc (09022015). Collection method: clinical testing. Allele origin: germline.

Ambry Genetics
Classification: Likely benign for Primary ciliary dyskinesia. Last evaluated: 2021-10-06. Review status: criteria provided, single submitter. Criteria: Ambry Variant Classification Scheme 2023. Collection method: clinical testing. Allele origin: germline.

NM_001277115.2(DNAH11):c.4843G>A (p.Ala1615Thr)

Gene: DNAH11 (dynein axonemal heavy chain 11; plus strand). Cytogenetic location: 7p15.3.
Variant type: single nucleotide variant.
Coding change: c.4843G>A on transcript NM_001277115.2 (MANE Select); coding-DNA position 4843, G replaced by A.
Protein change: p.Ala1615Thr; replaces alanine 1615 with threonine.
Molecular consequence: missense variant.
Genome position (GRCh38, 1-based): chr7:21,638,964, G>A. VCF-style: chr7-21638964-G-A. GRCh37 (hg19) VCF-style: chr7-21678582-G-A.
Other names: c.4858G>A, p.Ala1620Thr (NM_003777.3); short protein forms A1615T, A1620T.
Identifiers: ClinVar variation 2253588 (VCV002253588.18), dbSNP rs1016473135, ClinGen allele CA155069782.